The following is an entry in ClinVar:

NM_000465.4(BARD1):c.243T>A (p.Thr81=)

Gene: BARD1 (BRCA1 associated RING domain 1; minus strand). Cytogenetic location: 2q35.
Variant type: single nucleotide variant.
Coding change: c.243T>A on transcript NM_000465.4 (MANE Select); coding-DNA position 243, T replaced by A.
Protein change: p.Thr81=; no amino-acid change (threonine 81 retained).
Molecular consequence: synonymous variant. On other transcripts: non-coding transcript variant (1), intron variant (2).
Genome position (GRCh38, 1-based): chr2:214,792,418, A>T on the plus strand (T>A on the coding strand, the complement: BARD1 is on the minus strand). VCF-style: chr2-214792418-A-T. GRCh37 (hg19) VCF-style: chr2-215657142-A-T.
Other names: c.186T>A, p.Thr62= (NM_001282543.2); c.243T>A, p.Thr81= (NM_001282549.2); c.158+16994T>A (NM_001282548.2); c.215+4643T>A (NM_001282545.2).
Identifiers: ClinVar variation 3361060 (VCV003361060.1).

ClinVar aggregate classification (germline): Uncertain significance (1 of 4 stars; one submission).

Submission:

GeneDx
Classification: Uncertain significance. Last evaluated: 2023-07-12. Review status: criteria provided, single submitter. Criteria: GeneDx Variant Classification Process June 2021. Collection method: clinical testing. Allele origin: germline. Affected: yes.
Comment: Not observed at significant frequency in large population cohorts (gnomAD); Has not been previously published as pathogenic or benign to our knowledge; In silico analysis suggests this variant may impact gene splicing. In the absence of RNA/functional studies, the actual effect of this sequence change is unknown.